The following is an entry in ClinVar:

NM_001013838.3(CARMIL2):c.3893C>T (p.Ala1298Val)

Gene: CARMIL2 (capping protein regulator and myosin 1 linker 2; plus strand). Cytogenetic location: 16q22.1.
Variant type: single nucleotide variant.
Coding change: c.3893C>T on transcript NM_001013838.3 (MANE Select); coding-DNA position 3893, C replaced by T.
Protein change: p.Ala1298Val; replaces alanine 1298 with valine.
Molecular consequence: missense variant.
Genome position (GRCh38, 1-based): chr16:67,656,502, C>T. VCF-style: chr16-67656502-C-T. GRCh37 (hg19) VCF-style: chr16-67690405-C-T.
Other names: c.3785C>T, p.Ala1262Val (NM_001317026.3); short protein forms A1298V, A1262V.
Identifiers: ClinVar variation 1522409 (VCV001522409.8), dbSNP rs761566201, ClinGen allele CA8114205.

ClinVar aggregate classification (germline): Uncertain significance (1 of 4 stars; one submission).

Allele frequency attached by ClinVar (database versions not stated): gnomAD 0.00001; TOPMed 0.00001; gnomAD exomes 0.00002; ExAC 0.00003.
gnomAD v4.1: 15 of 1,612,978 alleles (0.00093%); highest among the groups gnomAD compares: Admixed American, 0.0083%; no homozygotes.

Submission:

Labcorp Genetics (formerly Invitae), Labcorp
Classification: Uncertain significance. Last evaluated: 2023-11-28. Review status: criteria provided, single submitter. Criteria: Invitae Variant Classification Sherloc (09022015). Collection method: clinical testing. Allele origin: germline.
Comment: This sequence change replaces alanine, which is neutral and non-polar, with valine, which is neutral and non-polar, at codon 1298 of the CARMIL2 protein (p.Ala1298Val). This variant is present in population databases (rs761566201, gnomAD 0.02%). This variant has not been reported in the literature in individuals affected with CARMIL2-related conditions. ClinVar contains an entry for this variant (Variation ID: 1522409). Advanced modeling of protein sequence and biophysical properties (such as structural, functional, and spatial information, amino acid conservation, physicochemical variation, residue mobility, and thermodynamic stability) performed at Invitae indicates that this missense variant is not expected to disrupt CARMIL2 protein function with a negative predictive value of 80%. In summary, the available evidence is currently insufficient to determine the role of this variant in disease. Therefore, it has been classified as a Variant of Uncertain Significance.